The following is an entry in ClinVar:

ClinVar aggregate classification (germline): Conflicting classifications of pathogenicity. Review status: criteria provided, conflicting classifications (1 of 4 stars). 2 submissions from 2 submitters: Uncertain significance (1); Likely benign (1). Last evaluated 2024-03-14.

Allele frequency attached by ClinVar (database versions not stated): ExAC 0.00002; gnomAD 0.00003; TOPMed 0.00003.
gnomAD v4.1: 26 of 1,613,350 alleles (0.0016%); highest among the groups gnomAD compares: African/African-American, 0.004%; no homozygotes.

Submissions (2):

Blueprint Genetics
Classification: Likely benign. Last evaluated: 2024-03-14. Review status: criteria provided, single submitter. Criteria: ACMG Guidelines, 2015. Collection method: clinical testing. Allele origin: germline.

Labcorp Genetics (formerly Invitae), Labcorp
Classification: Uncertain significance. Last evaluated: 2022-07-30. Review status: criteria provided, single submitter. Criteria: Invitae Variant Classification Sherloc (09022015). Collection method: clinical testing. Allele origin: germline.
Comment: This variant has not been reported in the literature in individuals affected with CTDP1-related conditions. This variant is present in population databases (rs750320832, gnomAD 0.01%). This sequence change replaces threonine, which is neutral and polar, with methionine, which is neutral and non-polar, at codon 784 of the CTDP1 protein (p.Thr784Met). Algorithms developed to predict the effect of missense changes on protein structure and function output the following: SIFT: "Tolerated"; PolyPhen-2: "Benign"; Align-GVGD: "Class C0". The methionine amino acid residue is found in multiple mammalian species, which suggests that this missense change does not adversely affect protein function. In summary, the available evidence is currently insufficient to determine the role of this variant in disease. Therefore, it has been classified as a Variant of Uncertain Significance.

NM_004715.5(CTDP1):c.2351C>T (p.Thr784Met)

Gene: CTDP1 (CTD phosphatase 1; plus strand). Cytogenetic location: 18q23.
Variant type: single nucleotide variant.
Coding change: c.2351C>T on transcript NM_004715.5 (MANE Select); coding-DNA position 2351, C replaced by T.
Protein change: p.Thr784Met; replaces threonine 784 with methionine.
Molecular consequence: missense variant.
Genome position (GRCh38, 1-based): chr18:79,717,950, C>T. VCF-style: chr18-79717950-C-T. GRCh37 (hg19) VCF-style: chr18-77477950-C-T.
Other names: c.1994C>T, p.Thr665Met (NM_001202504.1); c.2351C>T, p.Thr784Met (NM_001318511.2, NM_048368.4); short protein forms T665M, T784M.
Identifiers: ClinVar variation 2181988 (VCV002181988.4), dbSNP rs750320832, ClinGen allele CA9010560.